The following is an entry in ClinVar:

NM_006343.3(MERTK):c.659C>G (p.Ala220Gly)

Gene: MERTK (MER proto-oncogene, tyrosine kinase; plus strand). Cytogenetic location: 2q13.
Variant type: single nucleotide variant.
Coding change: c.659C>G on transcript NM_006343.3 (MANE Select); coding-DNA position 659, C replaced by G.
Protein change: p.Ala220Gly; replaces alanine 220 with glycine.
Molecular consequence: missense variant.
Genome position (GRCh38, 1-based): chr2:111,947,469, C>G. VCF-style: chr2-111947469-C-G. GRCh37 (hg19) VCF-style: chr2-112705046-C-G.
Other names: short protein forms A220G.
Identifiers: ClinVar variation 962041 (VCV000962041.8), dbSNP rs146962542, ClinGen allele CA1831117.

ClinVar aggregate classification (germline): Uncertain significance. Review status: criteria provided, multiple submitters, no conflicts (2 of 4 stars). 3 submissions from 3 submitters: Uncertain significance (2). 1 of the submissions does not count toward it. Last evaluated 2024-12-02.

Conditions:
Retinal dystrophy. Also called: Inherited retinal dystrophy. Identifiers: Orphanet 71862, MedGen C0854723, MeSH D058499, MONDO:0019118, HP:0000556.

Allele frequency attached by ClinVar (database versions not stated): ExAC 0.00002; gnomAD exomes 0.00002 and 0.00004; gnomAD 0.00003 and 0.00004; TOPMed 0.00005.
gnomAD v4.1: 39 of 1,614,042 alleles (0.0024%); highest among the groups gnomAD compares: Middle Eastern, 0.066%; no homozygotes.

Submissions (3):

Labcorp Genetics (formerly Invitae), Labcorp
Classification: Uncertain significance. Last evaluated: 2024-12-02. Review status: criteria provided, single submitter. Criteria: Invitae Variant Classification Sherloc (09022015). Collection method: clinical testing. Allele origin: germline.
Comment: This sequence change replaces alanine, which is neutral and non-polar, with glycine, which is neutral and non-polar, at codon 220 of the MERTK protein (p.Ala220Gly). This variant is present in population databases (rs146962542, gnomAD 0.009%). This variant has not been reported in the literature in individuals affected with MERTK-related conditions. ClinVar contains an entry for this variant (Variation ID: 962041). Invitae Evidence Modeling of protein sequence and biophysical properties (such as structural, functional, and spatial information, amino acid conservation, physicochemical variation, residue mobility, and thermodynamic stability) indicates that this missense variant is expected to disrupt MERTK protein function with a positive predictive value of 80%. In summary, the available evidence is currently insufficient to determine the role of this variant in disease. Therefore, it has been classified as a Variant of Uncertain Significance.

Blueprint Genetics
Classification: Uncertain significance. Last evaluated: 2024-10-14. Review status: criteria provided, single submitter. Criteria: ACMG Guidelines, 2015. Collection method: clinical testing. Allele origin: germline.

Institute of Human Genetics, Univ. Regensburg, Univ. Regensburg
Classification: Uncertain significance for Retinal dystrophy. Last evaluated: 2017-01-01. Review status: no assertion criteria provided. Criteria: ACMG Guidelines, 2015. Collection method: clinical testing. Allele origin: germline. Affected: yes. Not counted in ClinVar's aggregate classification.